The following is an entry in ClinVar:

ClinVar aggregate classification (germline): Uncertain significance (1 of 4 stars; one submission).

Submission:

GeneDx
Classification: Uncertain significance. Last evaluated: 2021-04-05. Review status: criteria provided, single submitter. Criteria: GeneDx Variant Classification Process June 2021. Collection method: clinical testing. Allele origin: germline. Affected: yes.
Comment: Not observed in large population cohorts (Lek et al., 2016); In silico analysis supports that this missense variant does not alter protein structure/function; Has not been previously published as pathogenic or benign to our knowledge

NM_004100.5(EYA4):c.580G>T (p.Asp194Tyr)

Gene: EYA4 (EYA transcriptional coactivator and phosphatase 4; plus strand). Cytogenetic location: 6q23.2.
Variant type: single nucleotide variant.
Coding change: c.580G>T on transcript NM_004100.5 (MANE Select); coding-DNA position 580, G replaced by T.
Protein change: p.Asp194Tyr; replaces aspartic acid 194 with tyrosine.
Molecular consequence: missense variant.
Genome position (GRCh38, 1-based): chr6:133,462,477, G>T. VCF-style: chr6-133462477-G-T. GRCh37 (hg19) VCF-style: chr6-133783615-G-T.
Other names: c.418G>T, p.Asp140Tyr (NM_001301012.2, NM_001370459.1); c.580G>T, p.Asp194Tyr (NM_001301013.2, NM_172105.4); c.511G>T, p.Asp171Tyr (NM_001370458.1, NM_172103.4); short protein forms D140Y, D171Y, D194Y.
Identifiers: ClinVar variation 1318692 (VCV001318692.2), dbSNP rs1199874172, ClinGen allele CA365698579.